The following is an entry in ClinVar:

ClinVar aggregate classification (germline): Uncertain significance (1 of 4 stars; one submission).

Conditions:
Hypercoagulability syndrome due to glycosylphosphatidylinositol deficiency (GPIBD1). Also called: GLYCOSYLPHOSPHATIDYLINOSITOL BIOSYNTHESIS DEFECT 1. Identifiers: Orphanet 83639, MedGen C5201145, MONDO:0012465, OMIM 610293.

Submission:

Labcorp Genetics (formerly Invitae), Labcorp
Classification: Uncertain significance for Hypercoagulability syndrome due to glycosylphosphatidylinositol deficiency. Last evaluated: 2025-05-01. Review status: criteria provided, single submitter. Criteria: Invitae Variant Classification Sherloc (09022015). Collection method: clinical testing. Allele origin: germline.
Comment: This sequence change affects codon 149 of the PIGM mRNA. It is a 'silent' change, meaning that it does not change the encoded amino acid sequence of the PIGM protein. This variant is not present in population databases (gnomAD no frequency). This variant has not been reported in the literature in individuals affected with PIGM-related conditions. In summary, the available evidence is currently insufficient to determine the role of this variant in disease. Therefore, it has been classified as a Variant of Uncertain Significance.

NM_145167.3(PIGM):c.447T>A (p.Ile149=)

Gene: PIGM (phosphatidylinositol glycan anchor biosynthesis class M; minus strand). Cytogenetic location: 1q23.2.
Variant type: single nucleotide variant.
Coding change: c.447T>A on transcript NM_145167.3 (MANE Select); coding-DNA position 447, T replaced by A.
Protein change: p.Ile149=; no amino-acid change (isoleucine 149 retained).
Molecular consequence: synonymous variant.
Genome position (GRCh38, 1-based): chr1:160,031,293, A>T on the plus strand (T>A on the coding strand, the complement: PIGM is on the minus strand). VCF-style: chr1-160031293-A-T. GRCh37 (hg19) VCF-style: chr1-160001083-A-T.
Identifiers: ClinVar variation 4728728 (VCV004728728.1).